The following is an entry in ClinVar:

NM_000026.4(ADSL):c.666del (p.Asp223fs)

Gene: ADSL (adenylosuccinate lyase; plus strand). Cytogenetic location: 22q13.1.
Variant type: Deletion.
Coding change: c.666del on transcript NM_000026.4 (MANE Select); coding-DNA position 666, one base deleted (T; older notation c.666delT).
Protein change: p.Asp223fs; shifts the reading frame from aspartic acid 223.
Molecular consequence: frameshift variant. On other transcripts: non-coding transcript variant (1).
Genome position (GRCh38, 1-based): chr22:40,359,271, T deleted; the last of 2 consecutive T bases (chr22:40,359,270-40,359,271); deleting either gives the same sequence. VCF-style (leftmost placement, unchanged base first): chr22-40359269-CT-C. GRCh37 (hg19) VCF-style: chr22-40755273-CT-C.
Other names: c.666del, p.Asp223fs (NM_001123378.3, NM_001363840.3); c.474del, p.Asp159fs (NM_001317923.2); short protein forms D159fs, D223fs.
Identifiers: ClinVar variation 1070913 (VCV001070913.7), dbSNP rs1268082439, ClinGen allele CA753180336.

ClinVar aggregate classification (germline): Pathogenic (1 of 4 stars; one submission).

Conditions:
Adenylosuccinate lyase deficiency (ADSLD). Also called: ADSL DEFICIENCY. Identifiers: Orphanet 46, MedGen C0268126, MONDO:0007068, OMIM 103050.

Submission:

Labcorp Genetics (formerly Invitae), Labcorp
Classification: Pathogenic for Adenylosuccinate lyase deficiency. Last evaluated: 2020-01-02. Review status: criteria provided, single submitter. Criteria: Invitae Variant Classification Sherloc (09022015). Collection method: clinical testing. Allele origin: germline.
Comment: For these reasons, this variant has been classified as Pathogenic. Loss-of-function variants in ADSL are known to be pathogenic (PMID: 10888601, 20177786). This variant has not been reported in the literature in individuals with ADSL-related conditions. This variant is not present in population databases (ExAC no frequency). This sequence change creates a premature translational stop signal (p.Asp223Thrfs*4) in the ADSL gene. It is expected to result in an absent or disrupted protein product.

Literature cited by the submitters: PubMed 10888601; PubMed 20177786.